The following is an entry in ClinVar:

NM_144997.7(FLCN):c.1284C>T (p.Pro428=)

Gene: FLCN (folliculin; minus strand). Cytogenetic location: 17p11.2.
Variant type: single nucleotide variant.
Coding change: c.1284C>T on transcript NM_144997.7 (MANE Select); coding-DNA position 1284, C replaced by T.
Protein change: p.Pro428=; no amino-acid change (proline 428 retained).
Molecular consequence: synonymous variant.
Genome position (GRCh38, 1-based): chr17:17,216,396, G>A on the plus strand (C>T on the coding strand, the complement: FLCN is on the minus strand). VCF-style: chr17-17216396-G-A. GRCh37 (hg19) VCF-style: chr17-17119710-G-A.
Other names: c.1338C>T, p.Pro446= (NM_001353229.2); c.1284C>T, p.Pro428= (NM_001353230.2, NM_001353231.2); c.1284C>T (NM_144997.5).
Identifiers: ClinVar variation 1098103 (VCV001098103.10), dbSNP rs942763423, ClinGen allele CA498163239.

ClinVar aggregate classification (germline): Benign/Likely benign. Review status: criteria provided, multiple submitters, no conflicts (2 of 4 stars). 3 submissions from 3 submitters: Benign (1); Likely benign (2). Last evaluated 2024-10-24.

Conditions:
Hereditary cancer-predisposing syndrome. Also called: Neoplastic Syndromes, Hereditary; Hereditary neoplastic syndrome; Hereditary Cancer Syndrome; Tumor predisposition. Identifiers: Orphanet 140162, MedGen C0027672, MeSH D009386, MONDO:0015356.
Birt-Hogg-Dube syndrome. Also called: Birt Hogg Dubé syndrome. Identifiers: Orphanet 122, MedGen C0346010, MONDO:0800444.
Birt-Hogg-Dube syndrome 1 (BHD1). Also called: FIBROFOLLICULOMAS WITH TRICHODISCOMAS AND ACROCHORDONS. Identifiers: Orphanet 122, MedGen CN375946, MONDO:0800445, OMIM 135150.

Submissions (3):

Myriad Genetics, Inc.
Classification: Benign for Birt-Hogg-Dube syndrome 1. Last evaluated: 2024-10-24. Review status: criteria provided, single submitter. Criteria: Myriad Autosomal Dominant, Autosomal Recessive and X-Linked Classification Criteria (2023). Collection method: clinical testing. Allele origin: unknown.
Comment: This variant is considered benign. This variant is a silent/synonymous amino acid change and it is not expected to impact splicing.

Ambry Genetics
Classification: Likely benign for Hereditary cancer-predisposing syndrome. Last evaluated: 2023-01-18. Review status: criteria provided, single submitter. Criteria: Ambry Variant Classification Scheme 2023. Collection method: clinical testing. Allele origin: germline.

Labcorp Genetics (formerly Invitae), Labcorp
Classification: Likely benign for Birt-Hogg-Dube syndrome. Last evaluated: 2020-10-12. Review status: criteria provided, single submitter. Criteria: Invitae Variant Classification Sherloc (09022015). Collection method: clinical testing. Allele origin: germline.